The following is an entry in ClinVar:

ClinVar aggregate classification (germline): Uncertain significance (1 of 4 stars; one submission).

Conditions:
Beckwith-Wiedemann syndrome (BWS). Also called: EMG SYNDROME; Exomphalos macroglossia gigantism syndrome. Identifiers: Orphanet 116, MedGen C0004903, MONDO:0007534, OMIM 130650.

Submission:

Labcorp Genetics (formerly Invitae), Labcorp
Classification: Uncertain significance for Beckwith-Wiedemann syndrome. Last evaluated: 2025-08-18. Review status: criteria provided, single submitter. Criteria: Invitae Variant Classification Sherloc (09022015). Collection method: clinical testing. Allele origin: germline.
Comment: This variant, c.429_434del, results in the deletion of 2 amino acid(s) of the CDKN1C protein (p.Pro144_Ala145del), but otherwise preserves the integrity of the reading frame. This variant is not present in population databases (gnomAD no frequency). This variant has not been reported in the literature in individuals affected with CDKN1C-related conditions. Experimental studies and prediction algorithms are not available or were not evaluated, and the functional significance of this variant is currently unknown. In summary, the available evidence is currently insufficient to determine the role of this variant in disease. Therefore, it has been classified as a Variant of Uncertain Significance.

NM_001122630.2(CDKN1C):c.390CCCGGC[1] (p.131PA[1])

Gene: CDKN1C (cyclin dependent kinase inhibitor 1C; minus strand). Cytogenetic location: 11p15.4.
Variant type: Microsatellite.
Coding change: c.390CCCGGC[1] on transcript NM_001122630.2 (MANE Select); one copy of the 6-base unit CCCGGC starting at c.390; the reference has two copies in a row; one copy, 6 bases deleted.
Protein change: p.131PA[1].
Molecular consequence: inframe deletion. On other transcripts: intron variant (1).
Genome position (GRCh38, 1-based): chr11:2,885,056-2,885,061, GCCGGG deleted on the plus strand (CCCGGC on the coding strand, the reverse complement: CDKN1C is on the minus strand); deleting any 6 consecutive bases within chr11:2,885,056-2,885,067 gives the same sequence; the position shown is the placement nearest the transcript's 3' end. VCF-style (leftmost placement, unchanged base first): chr11-2885055-CGCCGGG-C. GRCh37 (hg19) VCF-style: chr11-2906285-CGCCGGG-C.
Other names: c.423CCCGGC[1], p.142PA[1] (NM_000076.2, NM_001362474.2); c.390CCCGGC[1], p.131PA[1] (NM_001122631.2); c.255+141_255+146del (NM_001362475.2).
Identifiers: ClinVar variation 4725604 (VCV004725604.1).